The following is an entry in ClinVar:

NM_018089.3(ANKZF1):c.1763T>C (p.Met588Thr)

Gene: ANKZF1 (ankyrin repeat and zinc finger peptidyl tRNA hydrolase 1; plus strand). Cytogenetic location: 2q35.
Variant type: single nucleotide variant.
Coding change: c.1763T>C on transcript NM_018089.3 (MANE Select); coding-DNA position 1763, T replaced by C.
Protein change: p.Met588Thr; replaces methionine 588 with threonine.
Molecular consequence: missense variant.
Genome position (GRCh38, 1-based): chr2:219,235,545, T>C. VCF-style: chr2-219235545-T-C. GRCh37 (hg19) VCF-style: chr2-220100267-T-C.
Other names: c.1763T>C, p.Met588Thr (NM_001042410.2); c.1133T>C, p.Met378Thr (NM_001282792.2); c.1763T>C (NM_018089.2); short protein forms M378T, M588T.
Identifiers: ClinVar variation 1017437 (VCV001017437.11), dbSNP rs200339260, ClinGen allele CA2121161.

ClinVar aggregate classification (germline): Uncertain significance. Review status: criteria provided, multiple submitters, no conflicts (2 of 4 stars). 3 submissions from 3 submitters: Uncertain significance (2). 1 of the submissions does not count toward it. Last evaluated 2025-12-21.

Conditions:
ANKZF1-related disorder. Also called: ANKZF1-related condition.

Allele frequency attached by ClinVar (database versions not stated): gnomAD exomes 0.00007 and 0.00012; ExAC 0.00017; ESP Exome Variant Server 0.00041; gnomAD 0.00058 and 0.00064; TOPMed 0.00063.
gnomAD v4.1: 182 of 1,613,892 alleles (0.011%); highest among the groups gnomAD compares: African/African-American, 0.21%; no homozygotes.

Submissions (3):

Labcorp Genetics (formerly Invitae), Labcorp
Classification: Uncertain significance. Last evaluated: 2025-12-21. Review status: criteria provided, single submitter. Criteria: Invitae Variant Classification Sherloc (09022015). Collection method: clinical testing. Allele origin: germline.
Comment: This sequence change replaces methionine, which is neutral and non-polar, with threonine, which is neutral and polar, at codon 588 of the ANKZF1 protein (p.Met588Thr). This variant is present in population databases (rs200339260, gnomAD 0.2%), and has an allele count higher than expected for a pathogenic variant. This variant has not been reported in the literature in individuals affected with ANKZF1-related conditions. ClinVar contains an entry for this variant (Variation ID: 1017437). An algorithm developed to predict the effect of missense changes on protein structure and function (PolyPhen-2) suggests that this variant is likely to be disruptive. In summary, the available evidence is currently insufficient to determine the role of this variant in disease. Therefore, it has been classified as a Variant of Uncertain Significance.

Breakthrough Genomics
Classification: Uncertain significance. Review status: criteria provided, single submitter. Criteria: ACMG Guidelines, 2015. Collection method: not provided. Allele origin: germline. Inheritance: Unknown mechanism. Affected: yes.

PreventionGenetics, part of Exact Sciences
Classification: Likely benign for ANKZF1-related condition. Last evaluated: 2022-07-25. Review status: no assertion criteria provided. Collection method: clinical testing. Allele origin: germline. Not counted in ClinVar's aggregate classification.
Comment: This variant is classified as likely benign based on ACMG/AMP sequence variant interpretation guidelines (Richards et al. 2015 PMID: 25741868, with internal and published modifications).